The following is an entry in ClinVar:

NM_000090.4(COL3A1):c.2012C>T (p.Pro671Leu)

Gene: COL3A1 (collagen type III alpha 1 chain; plus strand). Cytogenetic location: 2q32.2.
Variant type: single nucleotide variant.
Coding change: c.2012C>T on transcript NM_000090.4 (MANE Select); coding-DNA position 2012, C replaced by T.
Protein change: p.Pro671Leu; replaces proline 671 with leucine.
Molecular consequence: missense variant.
Genome position (GRCh38, 1-based): chr2:188,998,708, C>T. VCF-style: chr2-188998708-C-T. GRCh37 (hg19) VCF-style: chr2-189863434-C-T.
Other names: short protein forms P671L.
Identifiers: ClinVar variation 2566670 (VCV002566670.2), dbSNP rs2469142023, ClinGen allele CA349854437.

ClinVar aggregate classification (germline): Uncertain significance (1 of 4 stars; one submission).

Conditions:
Familial thoracic aortic aneurysm and aortic dissection (TAAD). Also called: Thoracic aortic aneurysms and dissections. Identifiers: Orphanet 91387, MedGen C4707243, MONDO:0019625.

Submission:

Ambry Genetics
Classification: Uncertain significance for Familial thoracic aortic aneurysm and aortic dissection. Last evaluated: 2023-04-05. Review status: criteria provided, single submitter. Criteria: Ambry Variant Classification Scheme 2023. Collection method: clinical testing. Allele origin: germline.
Comment: The p.P671L variant (also known as c.2012C>T), located in coding exon 29 of the COL3A1 gene, results from a C to T substitution at nucleotide position 2012. The proline at codon 671 is replaced by leucine, an amino acid with similar properties. This amino acid position is well conserved in available vertebrate species. In addition, the in silico prediction for this alteration is inconclusive. Since supporting evidence is limited at this time, the clinical significance of this alteration remains unclear.